The following is an entry in ClinVar:

ClinVar aggregate classification (germline): Uncertain significance (1 of 4 stars; one submission).

Conditions:
Noonan syndrome 9 (NS9). Identifiers: Orphanet 648, MedGen C4225282, MONDO:0014691, OMIM 616559.

gnomAD v4.1: 1 of 1,611,130 alleles (0.000062%); highest among the groups gnomAD compares: East Asian, 0.0022%; no homozygotes.

Submission:

Juno Genomics, Hangzhou Juno Genomics, Inc
Classification: Uncertain significance for Noonan syndrome 9. Review status: criteria provided, single submitter. Criteria: ACMG Guidelines, 2015. Collection method: clinical testing. Allele origin: germline.
Comment: Absent from controls (or at extremely low frequency if recessive) in Genome Aggregation Database.

NM_006939.4(SOS2):c.1021A>T (p.Met341Leu)

Gene: SOS2 (SOS Ras/Rho guanine nucleotide exchange factor 2; minus strand). Cytogenetic location: 14q21.3.
Variant type: single nucleotide variant.
Coding change: c.1021A>T on transcript NM_006939.4 (MANE Select); coding-DNA position 1021, A replaced by T.
Protein change: p.Met341Leu; replaces methionine 341 with leucine.
Molecular consequence: missense variant. On other transcripts: intron variant (1).
Genome position (GRCh38, 1-based): chr14:50,174,501, T>A on the plus strand (A>T on the coding strand, the complement: SOS2 is on the minus strand). VCF-style: chr14-50174501-T-A. GRCh37 (hg19) VCF-style: chr14-50641219-T-A.
Other names: c.969+6071A>T (NM_001411020.1); short protein forms M341L.
Identifiers: ClinVar variation 5005324 (VCV005005324.2).